The following is an entry in ClinVar:

NM_003850.3(SUCLA2):c.985A>G (p.Met329Val)

Gene: SUCLA2 (succinate-CoA ligase ADP-forming subunit beta; minus strand). Cytogenetic location: 13q14.2.
Variant type: single nucleotide variant.
Coding change: c.985A>G on transcript NM_003850.3 (MANE Select); coding-DNA position 985, A replaced by G.
Protein change: p.Met329Val; replaces methionine 329 with valine.
Molecular consequence: missense variant.
Genome position (GRCh38, 1-based): chr13:47,954,262, T>C on the plus strand (A>G on the coding strand, the complement: SUCLA2 is on the minus strand). VCF-style: chr13-47954262-T-C. GRCh37 (hg19) VCF-style: chr13-48528397-T-C.
Other names: short protein forms M329V.
Identifiers: ClinVar variation 667329 (VCV000667329.21), dbSNP rs200167311, ClinGen allele CA6977862.

ClinVar aggregate classification (germline): Conflicting classifications of pathogenicity. Review status: criteria provided, conflicting classifications (1 of 4 stars). 9 submissions from 9 submitters: Pathogenic (1); Likely pathogenic (6); Uncertain significance (2). Last evaluated 2025-12-01.

Conditions:
SUCLA2-related disorder. Also called: SUCLA2-related condition.
Mitochondrial DNA depletion syndrome, encephalomyopathic form with methylmalonic aciduria (MTDPS5). Also called: SUCLA2-Related Mitochondrial DNA Depletion Syndrome, Encephalomyopathic Form with Methylmalonic Aciduria; Mitochondrial encephalomyopathy aminoacidopathy; MITOCHONDRIAL DNA DEPLETION SYNDROME, ENCEPHALOMYOPATHIC FORM, WITH OR WITHOUT METHYLMALONIC ACIDURIA, AUTOSOMAL RECESSIVE, SUCLA2-RELATED; Mitochondrial DNA depletion syndrome 5 (encephalomyopathic with or without methylmalonic aciduria). Identifiers: Orphanet 1933, MedGen C5980207, MONDO:0012791, OMIM 612073.

Allele frequency attached by ClinVar (database versions not stated): ExAC 0.00003; gnomAD exomes 0.00006; gnomAD 0.00015; 1000 Genomes Project 30x 0.00016; 1000 Genomes Project 0.00020; TOPMed 0.00020.
gnomAD v4.1: 66 of 1,613,680 alleles (0.0041%); highest among the groups gnomAD compares: Admixed American, 0.042%; no homozygotes.

Submissions (9):

Labcorp Genetics (formerly Invitae), Labcorp
Classification: Pathogenic for Mitochondrial DNA depletion syndrome, encephalomyopathic form with methylmalonic aciduria. Last evaluated: 2025-12-01. Review status: criteria provided, single submitter. Criteria: Invitae Variant Classification Sherloc (09022015). Collection method: clinical testing. Allele origin: germline.
Comment: This sequence change replaces methionine, which is neutral and non-polar, with valine, which is neutral and non-polar, at codon 329 of the SUCLA2 protein (p.Met329Val). This variant is present in population databases (rs200167311, gnomAD 0.03%). This missense change has been observed in individuals with succinate-CoA ligase deficiency (PMID: 24659738, 26475597, 27913098). It has also been observed to segregate with disease in related individuals. ClinVar contains an entry for this variant (Variation ID: 667329). Invitae Evidence Modeling of protein sequence and biophysical properties (such as structural, functional, and spatial information, amino acid conservation, physicochemical variation, residue mobility, and thermodynamic stability) indicates that this missense variant is expected to disrupt SUCLA2 protein function with a positive predictive value of 80%. For these reasons, this variant has been classified as Pathogenic.

Dasa
Classification: Likely pathogenic. Last evaluated: 2025-06-17. Review status: criteria provided, single submitter. Criteria: DASA Assertion Criteria. Collection method: clinical testing. Allele origin: germline.
Comment: NM_003850.3(SUCLA2):c.985A>G (p.Met329Val) is a missense variant that results in the substitution of methionine with valine. Segregation data support an association with disease in the reported family/families (PMID: 24659738; PMID: 26475597; PMID: 27913098). This variant has been recurrently observed in individuals with SUCLA2-related disorders (PMID: 24659738; PMID: 26475597; PMID: 27913098). Functional evidence supports an impact on the gene or gene product (PMID: 24659738; PMID: 26475597; PMID: 27913098). Also, this variant is rare in population databases. Computational evidence supports a deleterious effect. Based on the currently available evidence, this variant is classified as likely pathogenic.

Laboratorio de Genetica e Diagnostico Molecular, Hospital Israelita Albert Einstein
Classification: Likely pathogenic for Mitochondrial DNA depletion syndrome, encephalomyopathic form with methylmalonic aciduria. Last evaluated: 2024-12-22. Review status: criteria provided, single submitter. Criteria: ACMG Guidelines, 2015. Collection method: clinical testing. Allele origin: germline. Affected: yes.
Comment: ACMG classification criteria: PS3 supporting, PM2 supporting, PM3 strong, PP1 supporting, PP3 supporting

Fulgent Genetics
Classification: Likely pathogenic for Mitochondrial DNA depletion syndrome, encephalomyopathic form with methylmalonic aciduria. Last evaluated: 2024-04-20. Review status: criteria provided, single submitter. Criteria: ACMG Guidelines, 2015. Collection method: clinical testing. Allele origin: germline.

Blueprint Genetics
Classification: Likely pathogenic for SUCLA2-related disorders. Last evaluated: 2024-04-10. Review status: criteria provided, single submitter. Criteria: ACMG Guidelines, 2015. Collection method: clinical testing. Allele origin: germline. Affected: yes. Observed: 5 variant alleles.

Department of Pathology and Laboratory Medicine, Sinai Health System
Classification: Likely pathogenic for Mitochondrial DNA depletion syndrome, encephalomyopathic form with methylmalonic aciduria. Last evaluated: 2023-08-22. Review status: criteria provided, single submitter. Criteria: ACMG Guidelines, 2015. Collection method: research. Allele origin: germline.

GeneDx
Classification: Uncertain significance. Last evaluated: 2023-06-20. Review status: criteria provided, single submitter. Criteria: GeneDx Variant Classification Process June 2021. Collection method: clinical testing. Allele origin: germline. Affected: yes.
Comment: In silico analysis supports that this missense variant has a deleterious effect on protein structure/function; This variant is associated with the following publications: (PMID: 26409464, 26475597, 27913098, 33300680, 24659738)

Revvity Omics, Revvity
Classification: Likely pathogenic for Mitochondrial DNA depletion syndrome, encephalomyopathic form with methylmalonic aciduria. Last evaluated: 2022-06-21. Review status: criteria provided, single submitter. Criteria: ACMG Guidelines, 2015. Collection method: clinical testing. Allele origin: germline.

Laboratory for Molecular Medicine, Mass General Brigham Personalized Medicine
Classification: Uncertain significance. Last evaluated: 2018-07-18. Review status: criteria provided, single submitter. Criteria: LMM Criteria. Collection method: clinical testing. Allele origin: germline. Observed: 1 variant allele.
Comment: Variant classified as Uncertain Significance - Favor Pathogenic. The p.Met329Val variant in AAAS has been reported in 2 individuals with Succinate-CoA ligase de ficiency (Nogueira 2015, Huang 2017), including 1 homozygous individual and 1 in dividual who was compound heterozygous with a variant of uncertain significance. This variant has been identified in 0.03% (11/34384) of Latino chromosomes by t he Genome Aggregation Database (gnomAD; dbSNP rs200167311). Although this variant has been seen in the general population, its frequency is low enough to be consistent with a recessive carrier frequency. In vitro assays suggest an impact to protein function, including reduced protein l evels (Nogueira 2015, Huang 2017); however, these types of assays may not accura tely represent biological function. Additional computational prediction tools an d conservation analyses suggest that this variant may impact the protein, though this information is not predictive enough to determine pathogenicity. In summar y, while there is some suspicion for a pathogenic role, the clinical significanc e of this variant is uncertain. ACMG/AMP criteria applied: PP1, PP3, PS3_Support ing, PM3_Supporting

Literature cited by the submitters: PubMed 24659738 (cited by 3 submitters); PubMed 26475597 (cited by Labcorp Genetics (formerly Invitae), Labcorp and Dasa); PubMed 27913098 (cited by 3 submitters).